The following is an entry in ClinVar:

NM_000051.4(ATM):c.4276G>A (p.Ala1426Thr)

Gene: ATM (ATM serine/threonine kinase; plus strand). Cytogenetic location: 11q22.3.
Variant type: single nucleotide variant.
Coding change: c.4276G>A on transcript NM_000051.4 (MANE Select); coding-DNA position 4276, G replaced by A.
Protein change: p.Ala1426Thr; replaces alanine 1426 with threonine.
Molecular consequence: missense variant.
Genome position (GRCh38, 1-based): chr11:108,289,641, G>A. VCF-style: chr11-108289641-G-A. GRCh37 (hg19) VCF-style: chr11-108160368-G-A.
Other names: c.4276G>A, p.Ala1426Thr (NM_001351834.2); short protein forms A1426T.
Identifiers: ClinVar variation 1739293 (VCV001739293.2), dbSNP rs2135760123, ClinGen allele CA382531320.

ClinVar aggregate classification (germline): Uncertain significance (1 of 4 stars; one submission).

Conditions:
Hereditary cancer-predisposing syndrome. Also called: Hereditary Cancer Syndrome; Hereditary neoplastic syndrome; Neoplastic Syndromes, Hereditary; Tumor predisposition. Identifiers: Orphanet 140162, MedGen C0027672, MeSH D009386, MONDO:0015356.

Allele frequency attached by ClinVar (database versions not stated): gnomAD exomes below 0.00001.
gnomAD v4.1: 1 of 1,610,674 alleles (0.000062%); highest among the groups gnomAD compares: East Asian, 0.0022%; no homozygotes.

Submission:

Ambry Genetics
Classification: Uncertain significance for Hereditary cancer-predisposing syndrome. Last evaluated: 2021-12-22. Review status: criteria provided, single submitter. Criteria: Ambry Variant Classification Scheme 2023. Collection method: clinical testing. Allele origin: germline.
Comment: The p.A1426T variant (also known as c.4276G>A), located in coding exon 28 of the ATM gene, results from a G to A substitution at nucleotide position 4276. The alanine at codon 1426 is replaced by threonine, an amino acid with similar properties. This amino acid position is conserved. In addition, the in silico prediction for this alteration is inconclusive. Since supporting evidence is limited at this time, the clinical significance of this alteration remains unclear.